The following is an entry in ClinVar:

NM_130837.3(OPA1):c.2246A>G (p.Asp749Gly)

Gene: OPA1 (OPA1 mitochondrial dynamin like GTPase; plus strand). Cytogenetic location: 3q29.
Variant type: single nucleotide variant.
Coding change: c.2246A>G on transcript NM_130837.3 (MANE Select); coding-DNA position 2246, A replaced by G.
Protein change: p.Asp749Gly; replaces aspartic acid 749 with glycine.
Molecular consequence: missense variant.
Genome position (GRCh38, 1-based): chr3:193,657,147, A>G. VCF-style: chr3-193657147-A-G. GRCh37 (hg19) VCF-style: chr3-193374936-A-G.
Other names: c.1712A>G, p.Asp571Gly (NM_001354663.2); c.1709A>G, p.Asp570Gly (NM_001354664.2); c.2081A>G, p.Asp694Gly (NM_015560.3); c.1973A>G, p.Asp658Gly (NM_130831.3); c.2027A>G, p.Asp676Gly (NM_130832.3); c.2084A>G, p.Asp695Gly (NM_130833.3); c.2135A>G, p.Asp712Gly (NM_130834.3); c.2138A>G, p.Asp713Gly (NM_130835.3); and 1 more; short protein forms D570G, D571G, D658G, D676G, D694G, D695G, D712G, D713G.
Identifiers: ClinVar variation 3907805 (VCV003907805.2).

ClinVar aggregate classification (germline): Uncertain significance (1 of 4 stars; one submission).

gnomAD v4.1: 2 of 1,613,832 alleles (0.00012%); highest among the groups gnomAD compares: Admixed American, 0.0017%; no homozygotes.

Submission:

GeneDx
Classification: Uncertain significance. Last evaluated: 2025-08-26. Review status: criteria provided, single submitter. Criteria: GeneDx Variant Classification Process June 2021. Collection method: clinical testing. Allele origin: germline.
Comment: Not observed at significant frequency in large population cohorts (gnomAD); In silico analysis supports that this missense variant has a deleterious effect on protein structure/function; Has not been previously published as pathogenic or benign to our knowledge